The following is an entry in ClinVar:

ClinVar aggregate classification (germline): Uncertain significance (1 of 4 stars; one submission).

Submission:

CeGaT Center for Human Genetics Tuebingen
Classification: Uncertain significance. Last evaluated: 2023-02-01. Review status: criteria provided, single submitter. Criteria: CeGaT Center For Human Genetics Tuebingen Variant Classification Criteria Version 2. Collection method: clinical testing. Allele origin: germline. Affected: yes. Observed: 1 variant allele.
Comment: KCNK9: PM2

NM_001282534.2(KCNK9):c.86T>G (p.Leu29Arg)

Genes: KCNK9 (potassium two pore domain channel subfamily K member 9; minus strand), LOC124188239 (Sharpr-MPRA regulatory region 3867; plus strand). Cytogenetic location: 8q24.3.
Variant type: single nucleotide variant.
Coding change: c.86T>G on transcript NM_001282534.2 (MANE Select); coding-DNA position 86, T replaced by G.
Protein change: p.Leu29Arg; replaces leucine 29 with arginine.
Molecular consequence: missense variant. On other transcripts: non-coding transcript variant (1).
Genome position (GRCh38, 1-based): chr8:139,702,907, A>C on the plus strand (T>G on the coding strand, the complement: KCNK9 is on the minus strand). VCF-style: chr8-139702907-A-C. GRCh37 (hg19) VCF-style: chr8-140715150-A-C.
Other names: c.86T>G, p.Leu29Arg (NM_016601.2); short protein forms L29R.
Identifiers: ClinVar variation 2658855 (VCV002658855.24), dbSNP rs2488460166, ClinGen allele CA372732093.